The following is an entry in ClinVar:

ClinVar aggregate classification (germline): Uncertain significance (1 of 4 stars; one submission).

Allele frequency attached by ClinVar (database versions not stated): gnomAD exomes 0.00001; TOPMed 0.00001.
gnomAD v4.1: 8 of 1,613,878 alleles (0.0005%); highest among the groups gnomAD compares: Non-Finnish European, 0.00068%; no homozygotes.

Submission:

Labcorp Genetics (formerly Invitae), Labcorp
Classification: Uncertain significance. Last evaluated: 2025-03-17. Review status: criteria provided, single submitter. Criteria: Invitae Variant Classification Sherloc (09022015). Collection method: clinical testing. Allele origin: germline.
Comment: This sequence change replaces proline, which is neutral and non-polar, with leucine, which is neutral and non-polar, at codon 789 of the KIAA1549 protein (p.Pro789Leu). This variant is not present in population databases (gnomAD no frequency). This variant has not been reported in the literature in individuals affected with KIAA1549-related conditions. ClinVar contains an entry for this variant (Variation ID: 1474616). An algorithm developed to predict the effect of missense changes on protein structure and function outputs the following: PolyPhen-2: "Benign". The leucine amino acid residue is found in multiple mammalian species, which suggests that this missense change does not adversely affect protein function. In summary, the available evidence is currently insufficient to determine the role of this variant in disease. Therefore, it has been classified as a Variant of Uncertain Significance.

NM_001164665.2(KIAA1549):c.2366C>T (p.Pro789Leu)

Gene: KIAA1549 (KIAA1549; minus strand). Cytogenetic location: 7q34.
Variant type: single nucleotide variant.
Coding change: c.2366C>T on transcript NM_001164665.2 (MANE Select); coding-DNA position 2366, C replaced by T.
Protein change: p.Pro789Leu; replaces proline 789 with leucine.
Molecular consequence: missense variant.
Genome position (GRCh38, 1-based): chr7:138,917,260, G>A on the plus strand (C>T on the coding strand, the complement: KIAA1549 is on the minus strand). VCF-style: chr7-138917260-G-A. GRCh37 (hg19) VCF-style: chr7-138602006-G-A.
Other names: c.2366C>T, p.Pro789Leu (NM_020910.3); short protein forms P789L.
Identifiers: ClinVar variation 1474616 (VCV001474616.8), dbSNP rs1012382417, ClinGen allele CA167163404.